The following is an entry in ClinVar:

ClinVar aggregate classification (germline): Pathogenic (1 of 4 stars; one submission).

Conditions:
Marfan syndrome (MFS). Also called: MARFAN SYNDROME, TYPE I; FBN1-Related Marfan Syndrome; Marfan syndrome type 1; Marfan's syndrome; Marfan syndrome, classic. Identifiers: Orphanet 284963, Orphanet 558, MedGen C0024796, MONDO:0007947, OMIM 154700.
Familial thoracic aortic aneurysm and aortic dissection (TAAD). Also called: Thoracic aortic aneurysms and dissections. Identifiers: Orphanet 91387, MedGen C4707243, MONDO:0019625.

Submission:

Labcorp Genetics (formerly Invitae), Labcorp
Classification: Pathogenic for Marfan syndrome; Familial thoracic aortic aneurysm and aortic dissection. Last evaluated: 2020-02-17. Review status: criteria provided, single submitter. Criteria: Invitae Variant Classification Sherloc (09022015). Collection method: clinical testing. Allele origin: germline.
Comment: This variant has not been reported in the literature in individuals with a FBN1-related disease. Loss-of-function variants in FBN1 are known to be pathogenic (PMID: 17657824, 19293843). For these reasons, this variant has been classified as Pathogenic. This variant is not present in population databases (ExAC no frequency). This sequence change creates a premature translational stop signal (p.Ser471Valfs*108) in the FBN1 gene. It is expected to result in an absent or disrupted protein product.

Literature cited by the submitters: PubMed 17657824; PubMed 19293843.

NM_000138.5(FBN1):c.1410del (p.Ser471fs)

Gene: FBN1 (fibrillin 1; minus strand). Cytogenetic location: 15q21.1.
Variant type: Deletion.
Coding change: c.1410del on transcript NM_000138.5 (MANE Select); coding-DNA position 1410, one base deleted (G; older notation c.1410delG).
Protein change: p.Ser471fs; shifts the reading frame from serine 471.
Molecular consequence: frameshift variant.
Genome position (GRCh38, 1-based): chr15:48,515,445, C deleted on the plus strand (G on the coding strand, the reverse complement: FBN1 is on the minus strand); the first of 3 consecutive C bases (chr15:48,515,445-48,515,447); deleting any one gives the same sequence. VCF-style (leftmost placement, unchanged base first): chr15-48515444-TC-T. GRCh37 (hg19) VCF-style: chr15-48807641-TC-T.
Other names: c.1410delG (NM_000138.4); short protein forms S471fs.
Identifiers: ClinVar variation 457161 (VCV000457161.8), dbSNP rs1555400383, ClinGen allele CA658656494.